The following is an entry in ClinVar:

NM_006231.4(POLE):c.3802T>C (p.Trp1268Arg)

Gene: POLE (DNA polymerase epsilon, catalytic subunit; minus strand). Cytogenetic location: 12q24.33.
Variant type: single nucleotide variant.
Coding change: c.3802T>C on transcript NM_006231.4 (MANE Select); coding-DNA position 3802, T replaced by C.
Protein change: p.Trp1268Arg; replaces tryptophan 1268 with arginine.
Molecular consequence: missense variant.
Genome position (GRCh38, 1-based): chr12:132,649,509, A>G on the plus strand (T>C on the coding strand, the complement: POLE is on the minus strand). VCF-style: chr12-132649509-A-G. GRCh37 (hg19) VCF-style: chr12-133226095-A-G.
Other names: c.3802T>C (NM_006231.2); short protein forms W1268R.
Identifiers: ClinVar variation 3718547 (VCV003718547.3).
Genomic context (GRCh38, chr12:132,649,509, plus strand): 5'-CGAGGCGCTGCCGGGCCTGCAGCTGCCACTTCTTCTTGTGGAACCGGAGCCAGACAAGCC[A>G]TTCCTCCTGGGATGGATGGTGAGCACAGCCAGTGTGCAAGTGGTGAGATGGGAATGCCCG-3'
Protein context (NP_006222.2, residues 1258-1278): PPALGTSQEE[Trp1268Arg]LVWLRFHKKK

ClinVar aggregate classification (germline): Uncertain significance. Review status: criteria provided, multiple submitters, no conflicts (2 of 4 stars). 2 submissions from 2 submitters: Uncertain significance (2). Last evaluated 2026-04-20.

Conditions:
Hereditary cancer-predisposing syndrome. Also called: Hereditary Cancer Syndrome; Hereditary neoplastic syndrome; Neoplastic Syndromes, Hereditary; Tumor predisposition. Identifiers: Orphanet 140162, MedGen C0027672, MeSH D009386, MONDO:0015356.

Submissions (2):

Ambry Genetics
Classification: Uncertain significance for Hereditary cancer-predisposing syndrome. Last evaluated: 2026-04-20. Review status: criteria provided, single submitter. Criteria: Ambry Variant Classification Scheme 2023. Collection method: clinical testing. Allele origin: germline.
Comment: The p.W1268R variant (also known as c.3802T>C), located in coding exon 31 of the POLE gene, results from a T to C substitution at nucleotide position 3802. The tryptophan at codon 1268 is replaced by arginine, an amino acid with dissimilar properties. This amino acid position is conserved. In addition, this alteration is predicted to be tolerated by in silico analysis. Based on the available evidence, the clinical significance of this variant remains unclear.

Labcorp Genetics (formerly Invitae), Labcorp
Classification: Uncertain significance. Last evaluated: 2024-02-01. Review status: criteria provided, single submitter. Criteria: Invitae Variant Classification Sherloc (09022015). Collection method: clinical testing. Allele origin: germline.
Comment: This sequence change replaces tryptophan, which is neutral and slightly polar, with arginine, which is basic and polar, at codon 1268 of the POLE protein (p.Trp1268Arg). This variant is not present in population databases (gnomAD no frequency). This variant has not been reported in the literature in individuals affected with POLE-related conditions. Advanced modeling of protein sequence and biophysical properties (such as structural, functional, and spatial information, amino acid conservation, physicochemical variation, residue mobility, and thermodynamic stability) performed at Invitae indicates that this missense variant is not expected to disrupt POLE protein function with a negative predictive value of 80%. In summary, the available evidence is currently insufficient to determine the role of this variant in disease. Therefore, it has been classified as a Variant of Uncertain Significance.